The following is an entry in ClinVar:

NM_000245.4(MET):c.22G>T (p.Ala8Ser)

Gene: MET (MET proto-oncogene, receptor tyrosine kinase; plus strand). Cytogenetic location: 7q31.2.
Variant type: single nucleotide variant.
Coding change: c.22G>T on transcript NM_000245.4 (MANE Select); coding-DNA position 22, G replaced by T.
Protein change: p.Ala8Ser; replaces alanine 8 with serine.
Molecular consequence: missense variant. On other transcripts: intron variant (1).
Genome position (GRCh38, 1-based): chr7:116,699,106, G>T. VCF-style: chr7-116699106-G-T. GRCh37 (hg19) VCF-style: chr7-116339160-G-T.
Other names: c.22G>T, p.Ala8Ser (NM_001127500.3, NM_001324401.3); c.-91+26529G>T (NM_001324402.2); short protein forms A8S.
Identifiers: ClinVar variation 3232932 (VCV003232932.1), dbSNP rs758564871, ClinGen allele CA368968180.

ClinVar aggregate classification (germline): Uncertain significance (1 of 4 stars; one submission).

Conditions:
Hereditary cancer-predisposing syndrome. Also called: Neoplastic Syndromes, Hereditary; Tumor predisposition; Hereditary neoplastic syndrome; Hereditary Cancer Syndrome. Identifiers: Orphanet 140162, MedGen C0027672, MeSH D009386, MONDO:0015356.

Submission:

Ambry Genetics
Classification: Uncertain significance for Hereditary cancer-predisposing syndrome. Last evaluated: 2024-02-05. Review status: criteria provided, single submitter. Criteria: Ambry Variant Classification Scheme 2023. Collection method: clinical testing. Allele origin: germline.
Comment: The p.A8S variant (also known as c.22G>T), located in coding exon 1 of the MET gene, results from a G to T substitution at nucleotide position 22. The alanine at codon 8 is replaced by serine, an amino acid with similar properties. This amino acid position is conserved. In addition, this alteration is predicted to be tolerated by in silico analysis. Based on the available evidence, the clinical significance of this alteration remains unclear.